The following is an entry in ClinVar:

ClinVar aggregate classification (germline): Likely benign (1 of 4 stars; one submission).

gnomAD v4.1: 14 of 1,609,710 alleles (0.00087%); highest among the groups gnomAD compares: South Asian, 0.0033%; no homozygotes.

Submission:

CeGaT Center for Human Genetics Tuebingen
Classification: Likely benign. Last evaluated: 2024-07-01. Review status: criteria provided, single submitter. Criteria: CeGaT Center For Human Genetics Tuebingen Variant Classification Criteria Version 2. Collection method: clinical testing. Allele origin: germline. Affected: yes. Observed: 1 variant allele.
Comment: DHX30: BP4, BP7

NM_138615.3(DHX30):c.288C>T (p.Ser96=)

Gene: DHX30 (DExH-box helicase 30; plus strand). Cytogenetic location: 3p21.31.
Variant type: single nucleotide variant.
Coding change: c.288C>T on transcript NM_138615.3 (MANE Select); coding-DNA position 288, C replaced by T.
Protein change: p.Ser96=; no amino-acid change (serine 96 retained).
Molecular consequence: synonymous variant.
Genome position (GRCh38, 1-based): chr3:47,829,056, C>T. VCF-style: chr3-47829056-C-T. GRCh37 (hg19) VCF-style: chr3-47870546-C-T.
Other names: c.204C>T, p.Ser68= (NM_001330990.2); c.171C>T, p.Ser57= (NM_014966.4).
Identifiers: ClinVar variation 3257159 (VCV003257159.17).